The following is an entry in ClinVar:

NM_001164508.2(NEB):c.21419T>A (p.Ile7140Asn)

Genes: NEB (nebulin; minus strand), RIF1 (replication timing regulatory factor 1; plus strand). Cytogenetic location: 2q23.3.
Variant type: single nucleotide variant.
Coding change: c.21419T>A on transcript NM_001164508.2 (MANE Select); coding-DNA position 21419, T replaced by A.
Protein change: p.Ile7140Asn; replaces isoleucine 7140 with asparagine.
Molecular consequence: missense variant.
Genome position (GRCh38, 1-based): chr2:151,531,895, A>T on the plus strand (T>A on the coding strand, the complement: NEB is on the minus strand). VCF-style: chr2-151531895-A-T. GRCh37 (hg19) VCF-style: chr2-152388409-A-T.
Other names: c.21419T>A, p.Ile7140Asn (NM_001164507.2); c.21524T>A, p.Ile7175Asn (NM_001271208.2); c.16316T>A, p.Ile5439Asn (NM_004543.5); short protein forms I7140N, I7175N, I5439N.
Identifiers: ClinVar variation 1704524 (VCV001704524.1), dbSNP rs200112795, ClinGen allele CA57633192.

ClinVar aggregate classification (germline): Uncertain significance (1 of 4 stars; one submission).

gnomAD v4.1: 2 of 1,540,866 alleles (0.00013%); highest among the groups gnomAD compares: African/African-American, 0.0015%; no homozygotes.

Submission:

Women's Health and Genetics/Laboratory Corporation of America, LabCorp
Classification: Uncertain significance. Last evaluated: 2022-07-05. Review status: criteria provided, single submitter. Criteria: LabCorp Variant Classification Summary - May 2015. Collection method: clinical testing. Allele origin: germline.
Comment: Variant summary: NEB c.21524T>A (p.Ile7175Asn) results in a non-conservative amino acid change in the encoded protein sequence and is located near a canonical 3' acceptor splice site. Three of five in-silico tools predict a benign effect of the variant on protein function. 4/4 computational tools predict no significant impact on normal splicing. However, these predictions have yet to be confirmed by functional studies. The variant was absent in 126408 control chromosomes (gnomAD). The available data on variant occurrences in the general population are insufficient to allow any conclusion about variant significance. To our knowledge, no occurrence of c.21524T>A in individuals affected with Nemaline Myopathy 2 and no experimental evidence demonstrating its impact on protein function have been reported. No clinical diagnostic laboratories have submitted clinical-significance assessments for this variant to ClinVar after 2014. Based on the evidence outlined above, the variant was classified as uncertain significance.